The following is an entry in ClinVar:

NM_000312.4(PROC):c.659G>A (p.Arg220Gln)

Gene: PROC (protein C, inactivator of coagulation factors Va and VIIIa; plus strand). Cytogenetic location: 2q14.3.
Variant type: single nucleotide variant.
Coding change: c.659G>A on transcript NM_000312.4 (MANE Select); coding-DNA position 659, G replaced by A.
Protein change: p.Arg220Gln; replaces arginine 220 with glutamine.
Molecular consequence: missense variant.
Genome position (GRCh38, 1-based): chr2:127,426,208, G>A. VCF-style: chr2-127426208-G-A. GRCh37 (hg19) VCF-style: chr2-128183784-G-A.
Other names: R178Q; c.842G>A, p.Arg281Gln (NM_001375602.1); c.824G>A, p.Arg275Gln (NM_001375603.1); c.722G>A, p.Arg241Gln (NM_001375604.1); c.761G>A, p.Arg254Gln (NM_001375605.1); c.827G>A, p.Arg276Gln (NM_001375606.1); c.845G>A, p.Arg282Gln (NM_001375607.1); c.602G>A, p.Arg201Gln (NM_001375608.1); and 3 more; short protein forms R220Q, R201Q, R212Q, R218Q, R241Q, R254Q, R275Q, R276Q.
Identifiers: ClinVar variation 669 (VCV000000669.23), dbSNP rs121918153, ClinGen allele CA114412.

ClinVar aggregate classification (germline): Pathogenic/Likely pathogenic. Review status: criteria provided, multiple submitters, no conflicts (2 of 4 stars). 12 submissions from 12 submitters: Pathogenic (10); Likely pathogenic (1). 1 of the submissions does not count toward it. Last evaluated 2026-06-01.

Conditions:
PROC-related disorder. Also called: PROC-related condition.
Thrombophilia due to protein C deficiency, autosomal dominant. Also called: PROC DEFICIENCY, AUTOSOMAL DOMINANT; PROTEIN C DEFICIENCY, AUTOSOMAL DOMINANT. Identifiers: Orphanet 745, MedGen C2674321, MONDO:0008316, OMIM 176860. Disease mechanism: loss of function.
Thrombophilia due to protein C deficiency, autosomal recessive. Also called: PROC DEFICIENCY, AUTOSOMAL RECESSIVE; PROTEIN C DEFICIENCY, AUTOSOMAL RECESSIVE. Identifiers: Orphanet 745, MedGen C2676759, MONDO:0012860, OMIM 612304.
Reduced protein C activity. Identifiers: MedGen C0398625, MeSH D020151, HP:0005543.

Allele frequency attached by ClinVar (database versions not stated): gnomAD 0.00001; TOPMed 0.00002.
gnomAD v4.1: 98 of 1,613,960 alleles (0.0061%); highest among the groups gnomAD compares: South Asian, 0.052%; 1 homozygote.

Submissions (12):

CeGaT Center for Human Genetics Tuebingen
Classification: Pathogenic. Last evaluated: 2026-06-01. Review status: criteria provided, single submitter. Criteria: CeGaT Center For Human Genetics Tuebingen Variant Classification Criteria Version 2. Collection method: clinical testing. Allele origin: germline. Affected: yes. Observed: 1 variant allele.
Comment: PROC: PP1:Strong, PS4, PM2, PM5, BP4

PreventionGenetics, part of Exact Sciences
Classification: Pathogenic for PROC-related condition. Last evaluated: 2026-05-06. Review status: criteria provided, single submitter. Criteria: ACMG Guidelines, 2015. Collection method: clinical testing. Allele origin: germline.
Comment: The PROC c.659G>A variant is predicted to result in the amino acid substitution p.Arg220Gln. This variant, also referred to as p.Arg178Gln using legacy nomenclature, has previously been reported to be causative for Protein C Deficiency (Grundy et al. 1992. PubMed ID: 1511989; Miyata et al. 2008. PubMed ID: 18954896; Martos et al. 2019. PubMed ID: 31254973; Chen et al. 2024. PubMed ID: 38433129). This variant is reported in 0.056% of alleles in individuals of South Asian descent in gnomAD. This variant is interpreted as pathogenic.

Labcorp Genetics (formerly Invitae), Labcorp
Classification: Pathogenic for Thrombophilia due to protein C deficiency, autosomal dominant. Last evaluated: 2026-01-07. Review status: criteria provided, single submitter. Criteria: Invitae Variant Classification Sherloc (09022015). Collection method: clinical testing. Allele origin: germline.
Comment: This sequence change replaces arginine, which is basic and polar, with glutamine, which is neutral and polar, at codon 220 of the PROC protein (p.Arg220Gln). This variant is present in population databases (rs121918153, gnomAD 0.06%). This missense change has been observed in individuals with protein C deficiency (PMID: 1301954, 1301959, 1511989, 7605880, 8499565, 18954896, 31254973). It has also been observed to segregate with disease in related individuals. This variant is also known as p.Arg178Gln. ClinVar contains an entry for this variant (Variation ID: 669). Invitae Evidence Modeling of protein sequence and biophysical properties (such as structural, functional, and spatial information, amino acid conservation, physicochemical variation, residue mobility, and thermodynamic stability) indicates that this missense variant is not expected to disrupt PROC protein function with a negative predictive value of 80%. This variant disrupts the p.Arg220 amino acid residue in PROC. Other variant(s) that disrupt this residue have been observed in individuals with PROC-related conditions (PMID: 1868249, 2602169, 7605880, 21621249), which suggests that this may be a clinically significant amino acid residue. For these reasons, this variant has been classified as Pathogenic.

Mayo Clinic Laboratories, Mayo Clinic
Classification: Pathogenic. Last evaluated: 2025-09-09. Review status: criteria provided, single submitter. Criteria: ACMG Guidelines, 2015. Collection method: clinical testing. Allele origin: germline. Observed: 4 variant alleles.
Comment: PP1_moderate, PM5, PS3, PS4_very_strong

Women's Health and Genetics/Laboratory Corporation of America, LabCorp
Classification: Pathogenic for Thrombophilia due to protein C deficiency, autosomal dominant. Last evaluated: 2025-02-24. Review status: criteria provided, single submitter. Criteria: LabCorp Variant Classification Summary - May 2015. Collection method: clinical testing. Allele origin: germline.
Comment: Variant summary: PROC c.659G>A (p.Arg220Gln) results in a conservative amino acid change located in the Serine proteases, trypsin domain (IPR001254) of the encoded protein sequence. Four of five in-silico tools predict a benign effect of the variant on protein function. The variant allele was found at a frequency of 9.5e-05 in 251324 control chromosomes (gnomAD). This frequency is not significantly higher than estimated for a pathogenic variant in PROC causing Thrombophilia Due To Protein C Deficiency, Autosomal Dominant, allowing no conclusion about variant significance. c.659G>A has been reported in the literature in multiple individuals affected with Thrombophilia Due To Protein C Deficiency, Autosomal Dominant (Grundy_1992, Miyata_2009, Martos_2019). These data indicate that the variant is very likely to be associated with disease. To our knowledge, no experimental evidence demonstrating an impact on protein function has been reported. The following publications have been ascertained in the context of this evaluation (PMID: 1511989, 31254973, 18954896, 1868249, 32309994). ClinVar contains an entry for this variant (Variation ID: 669). Based on the evidence outlined above, the variant was classified as pathogenic.

Blueprint Genetics
Classification: Pathogenic for PROC-related disorders. Last evaluated: 2024-10-18. Review status: criteria provided, single submitter. Criteria: ACMG Guidelines, 2015. Collection method: clinical testing. Allele origin: germline. Affected: yes. Observed: 5 variant alleles.

Revvity Omics, Revvity
Classification: Pathogenic. Last evaluated: 2023-11-23. Review status: criteria provided, single submitter. Criteria: ACMG Guidelines, 2015. Collection method: clinical testing. Allele origin: germline.

Fulgent Genetics
Classification: Pathogenic for Thrombophilia due to protein C deficiency, autosomal dominant; Thrombophilia due to protein C deficiency, autosomal recessive. Last evaluated: 2021-12-04. Review status: criteria provided, single submitter. Criteria: ACMG Guidelines, 2015. Collection method: clinical testing. Allele origin: unknown.

AiLife Diagnostics
Classification: Pathogenic. Last evaluated: 2021-06-04. Review status: criteria provided, single submitter. Criteria: ACMG Guidelines, 2015. Collection method: clinical testing. Allele origin: germline. Affected: yes. Observed: 1 variant allele.

NIHR Bioresource Rare Diseases, University of Cambridge
Classification: Likely pathogenic for Reduced protein C activity. Last evaluated: 2019-02-01. Review status: criteria provided, single submitter. Criteria: ACMG Guidelines, 2015. Collection method: research. Allele origin: unknown. Affected: yes. Observed: 1 compound heterozygote. Study: ThromboGenomics.

Illumina Laboratory Services, Illumina
Classification: Pathogenic for Thrombophilia due to protein C deficiency, autosomal dominant. Last evaluated: 2017-04-27. Review status: criteria provided, single submitter. Criteria: ICSL Variant Classification Criteria 09 May 2019. Collection method: clinical testing. Allele origin: germline.
Comment: The PROC c.659G>A (p.Arg220Gln) variant has been reported in six studies in which it is found in a total of 30 individuals with protein C deficiency, all in a heterozygous state (Gandrille et al. 1992; Grundy et al. 1992; Poort et al. 1993; Millar et al. 1995; Soria et al. 1996; Couture et al. 1998). The p.Arg220Gln variant was absent from 50 ethnically matched controls and is reported at a frequency of 0.00067 in the South Asian population of the Exome Aggregation Consortium. Based on the evidence, the p.Arg220Gln is classified as pathogenic for protein C deficiency. This variant was observed by ICSL as part of a predisposition screen in an ostensibly healthy population.

OMIM
Classification: Pathogenic for THROMBOPHILIA DUE TO PROTEIN C DEFICIENCY, AUTOSOMAL DOMINANT. Last evaluated: 1996-01-01. Review status: no assertion criteria provided. Collection method: literature only. Allele origin: germline. Not counted in ClinVar's aggregate classification.

Literature cited by the submitters: PubMed 1301954 (cited by 3 submitters); PubMed 1301959 (cited by 3 submitters); PubMed 1511989 (cited by 5 submitters); PubMed 7605880 (cited by Labcorp Genetics (formerly Invitae), Labcorp and Illumina Laboratory Services, Illumina); PubMed 8499565 (cited by Labcorp Genetics (formerly Invitae), Labcorp and Illumina Laboratory Services, Illumina); PubMed 18954896 (cited by 4 submitters); PubMed 31254973 (cited by 4 submitters); PubMed 1868249 (cited by 3 submitters); PubMed 2602169 (cited by Labcorp Genetics (formerly Invitae), Labcorp and OMIM); PubMed 21621249 (cited by Labcorp Genetics (formerly Invitae), Labcorp and Mayo Clinic Laboratories, Mayo Clinic); PubMed 25533856 (cited by Mayo Clinic Laboratories, Mayo Clinic); PubMed 31064749 (cited by Mayo Clinic Laboratories, Mayo Clinic and NIHR Bioresource Rare Diseases, University of Cambridge); PubMed 7740447 (cited by Mayo Clinic Laboratories, Mayo Clinic); PubMed 8446940 (cited by Mayo Clinic Laboratories, Mayo Clinic); PubMed 8807339 (cited by 3 submitters); PubMed 9798967 (cited by Mayo Clinic Laboratories, Mayo Clinic and Illumina Laboratory Services, Illumina); PubMed 32309994 (cited by Women's Health and Genetics/Laboratory Corporation of America, LabCorp); PubMed 31980526 (cited by AiLife Diagnostics).